The following is an entry in ClinVar:

NM_001365999.1(SZT2):c.7488dup (p.Asp2497fs)

Gene: SZT2 (SZT2 subunit of KICSTOR complex; plus strand). Cytogenetic location: 1p34.2.
Variant type: Duplication.
Coding change: c.7488dup on transcript NM_001365999.1 (MANE Select); coding-DNA position 7488, one base duplicated (A; older notation c.7488dupA).
Protein change: p.Asp2497fs; shifts the reading frame from aspartic acid 2497.
Molecular consequence: frameshift variant.
Genome position (GRCh38, 1-based): chr1:43,441,357, A duplicated. VCF-style (leftmost placement, unchanged base first): chr1-43441356-C-CA. GRCh37 (hg19) VCF-style: chr1-43907027-C-CA.
Other names: c.7317dup, p.Asp2440fs (NM_015284.4); short protein forms D2497fs, D2440fs.
Identifiers: ClinVar variation 2585049 (VCV002585049.4), dbSNP rs2545850014, ClinGen allele CA2582341912.

ClinVar aggregate classification (germline): Pathogenic/Likely pathogenic. Review status: criteria provided, multiple submitters, no conflicts (2 of 4 stars). 2 submissions from 2 submitters: Pathogenic (1); Likely pathogenic (1). Last evaluated 2023-09-20.

Conditions:
Developmental and epileptic encephalopathy, 18 (DEE18). Also called: Early infantile epileptic encephalopathy 18. Identifiers: Orphanet 369894, MedGen C3809624, MONDO:0014201, OMIM 615476.

Allele frequency attached by ClinVar (database versions not stated): gnomAD exomes below 0.00001.

Submissions (2):

Labcorp Genetics (formerly Invitae), Labcorp
Classification: Pathogenic. Last evaluated: 2023-09-20. Review status: criteria provided, single submitter. Criteria: Invitae Variant Classification Sherloc (09022015). Collection method: clinical testing. Allele origin: germline.
Comment: For these reasons, this variant has been classified as Pathogenic. This variant has not been reported in the literature in individuals affected with SZT2-related conditions. This variant is not present in population databases (gnomAD no frequency). This sequence change creates a premature translational stop signal (p.Asp2440Argfs*18) in the SZT2 gene. It is expected to result in an absent or disrupted protein product. Loss-of-function variants in SZT2 are known to be pathogenic (PMID: 23932106, 27248490, 28556953).

Neuberg Centre For Genomic Medicine, NCGM
Classification: Likely pathogenic for Developmental and epileptic encephalopathy, 18. Review status: criteria provided, single submitter. Criteria: ACMG Guidelines, 2015. Collection method: clinical testing. Allele origin: germline. Inheritance: Autosomal recessive inheritance. Affected: yes.
Comment: The frameshift variant c.7488dup (p.Asp2497ArgfsTer18) in SZT2 gene has not been reported previously as a pathogenic variant nor as a benign variant, to our knowledge. The p.Asp2497ArgfsTer18 variant is novel (not in any individuals) in gnomAD exomes and is novel (not in any individuals) in 1000 Genomes. This variant has not been reported to the ClinVar database. This variant is predicted to cause loss of normal protein function through protein truncation. Loss of function variants have been previously reported to be disease causing. For these reasons, this variant has been classified as Likely Pathogenic.

Literature cited by the submitters: PubMed 23932106 (cited by Labcorp Genetics (formerly Invitae), Labcorp); PubMed 27248490 (cited by Labcorp Genetics (formerly Invitae), Labcorp); PubMed 28556953 (cited by Labcorp Genetics (formerly Invitae), Labcorp).